The following is an entry in ClinVar:

NM_007294.4(BRCA1):c.3185G>T (p.Gly1062Val)

Gene: BRCA1 (BRCA1 DNA repair associated; minus strand). Cytogenetic location: 17q21.31.
Variant type: single nucleotide variant.
Coding change: c.3185G>T on transcript NM_007294.4 (MANE Select); coding-DNA position 3185, G replaced by T.
Protein change: p.Gly1062Val; replaces glycine 1062 with valine.
Molecular consequence: missense variant. On other transcripts: intron variant (137).
Genome position (GRCh38, 1-based): chr17:43,092,346, C>A on the plus strand (G>T on the coding strand, the complement: BRCA1 is on the minus strand). VCF-style: chr17-43092346-C-A. GRCh37 (hg19) VCF-style: chr17-41244363-C-A.
Other names: 3304G>T; c.3044G>T, p.Gly1015Val (NM_001407850.1, NM_001407851.1, NM_001407852.1 and 29 more transcripts); c.2972G>T, p.Gly991Val (NM_001407853.1, NM_001407894.1, NM_001407895.1 and 9 more transcripts); c.3185G>T, p.Gly1062Val (NM_001407854.1, NM_001407858.1, NM_001407859.1 and 30 more transcripts); c.3182G>T, p.Gly1061Val (NM_001407860.1, NM_001407861.1, NM_001407587.1 and 22 more transcripts); c.2984G>T, p.Gly995Val (NM_001407862.1); c.3062G>T, p.Gly1021Val (NM_001407863.1, NM_001407919.1, NM_001407937.1 and 19 more transcripts); c.2981G>T, p.Gly994Val (NM_001407874.1, NM_001407875.1); and 42 more; short protein forms G1062V, G1015V, G1035V, G894V, G1014V, G1021V, G1059V, G934V.
Identifiers: ClinVar variation 37513 (VCV000037513.25), dbSNP rs397507211, ClinGen allele CA002075.

ClinVar aggregate classification (germline): Conflicting classifications of pathogenicity. Review status: criteria provided, conflicting classifications (1 of 4 stars). 7 submissions from 7 submitters: Uncertain significance (4); Likely benign (1). 2 of the submissions do not count toward it. Last evaluated 2025-05-27.

Conditions:
Hereditary cancer-predisposing syndrome. Also called: Tumor predisposition; Neoplastic Syndromes, Hereditary; Hereditary Cancer Syndrome; Hereditary neoplastic syndrome. Identifiers: Orphanet 140162, MedGen C0027672, MeSH D009386, MONDO:0015356.
Hereditary breast ovarian cancer syndrome. Also called: Hereditary breast and ovarian cancer syndrome (HBOC); Hereditary breast and ovarian cancer syndrome; Hereditary breast and ovarian cancer; Hereditary breast and/or ovarian cancer syndrome; Breast and ovarian cancer; BRCA1- and BRCA2-Associated Hereditary Breast and Ovarian Cancer. Identifiers: Orphanet 145, MedGen C0677776, MeSH D061325, MONDO:0003582. Disease mechanism: loss of function.
Breast-ovarian cancer, familial, susceptibility to, 1 (BROVCA1). Also called: OVARIAN CANCER, SUSCEPTIBILITY TO; BRCA1 Hereditary Breast and Ovarian Cancer. Identifiers: Orphanet 145, MedGen C2676676, MONDO:0011450, OMIM 604370. Disease mechanism: loss of function.
Malignant tumor of breast. Also called: Malignant breast neoplasm; Cancer breast. Identifiers: MedGen C0006142, MONDO:0007254. Disease mechanism: loss of function.

Allele frequency attached by ClinVar (database versions not stated): gnomAD exomes below 0.00001; ExAC 0.00001.

Submissions (7):

Labcorp Genetics (formerly Invitae), Labcorp
Classification: Uncertain significance for Hereditary breast ovarian cancer syndrome. Last evaluated: 2025-05-27. Review status: criteria provided, single submitter. Criteria: Invitae Variant Classification Sherloc (09022015). Collection method: clinical testing. Allele origin: germline.
Comment: This sequence change replaces glycine, which is neutral and non-polar, with valine, which is neutral and non-polar, at codon 1062 of the BRCA1 protein (p.Gly1062Val). This variant is present in population databases (rs397507211, gnomAD 0.0009%). This missense change has been observed in individual(s) with breast and/or ovarian cancer (PMID: 34981296). ClinVar contains an entry for this variant (Variation ID: 37513). Invitae Evidence Modeling of protein sequence and biophysical properties (such as structural, functional, and spatial information, amino acid conservation, physicochemical variation, residue mobility, and thermodynamic stability) indicates that this missense variant is not expected to disrupt BRCA1 protein function with a negative predictive value of 95%. In summary, the available evidence is currently insufficient to determine the role of this variant in disease. Therefore, it has been classified as a Variant of Uncertain Significance.

Color Diagnostics, LLC DBA Color Health
Classification: Uncertain significance for Hereditary cancer-predisposing syndrome. Last evaluated: 2024-01-23. Review status: criteria provided, single submitter. Criteria: ACMG Guidelines, 2015. Collection method: clinical testing. Allele origin: germline.
Comment: This missense variant replaces glycine with valine at codon 1062 of the BRCA1 protein. Computational prediction is inconclusive regarding the impact of this variant on protein structure and function. To our knowledge, functional studies have not been reported for this variant. This variant has been detected in a breast cancer case-control meta-analysis in 4/60466 cases and 0/53461 unaffected individuals (PMID: 33471991; Leiden Open Variation Database DB-ID BRCA1_006350). This variant has been identified in 1/250730 chromosomes in the general population by the Genome Aggregation Database (gnomAD). The available evidence is insufficient to determine the role of this variant in disease conclusively. Therefore, this variant is classified as a Variant of Uncertain Significance.

Ambry Genetics
Classification: Uncertain significance for Hereditary cancer-predisposing syndrome. Last evaluated: 2024-01-03. Review status: criteria provided, single submitter. Criteria: Ambry Variant Classification Scheme 2023. Collection method: clinical testing. Allele origin: germline.
Comment: The p.G1062V variant (also known as c.3185G>T), located in coding exon 9 of the BRCA1 gene, results from a G to T substitution at nucleotide position 3185. The glycine at codon 1062 is replaced by valine, an amino acid with dissimilar properties. This amino acid position is well conserved in available vertebrate species. In addition, the in silico prediction for this alteration is inconclusive. Since supporting evidence is limited at this time, the clinical significance of this alteration remains unclear.

GeneDx
Classification: Uncertain significance. Last evaluated: 2023-06-06. Review status: criteria provided, single submitter. Criteria: GeneDx Variant Classification Process June 2021. Collection method: clinical testing. Allele origin: germline. Affected: yes.
Comment: Not observed at significant frequency in large population cohorts (gnomAD); In silico analysis supports that this missense variant has a deleterious effect on protein structure/function; Has not been previously published as pathogenic or benign to our knowledge; Also known as 3304G>T; This variant is associated with the following publications: (PMID: 29884841, 32377563, 15343273)

University of Washington Department of Laboratory Medicine, University of Washington
Classification: Likely benign for Hereditary cancer-predisposing syndrome. Last evaluated: 2023-03-23. Review status: criteria provided, single submitter. Criteria: Dines et al. (Genet Med. 2020). Collection method: curation. Allele origin: germline.
Comment: Missense variant in a coldspot region where missense variants are very unlikely to be pathogenic (PMID:31911673).

BRCA1 coldspot (exon 11 using historical exon numbering). Reclassification based on statistical prior probability

Sharing Clinical Reports Project (SCRP)
Classification: Uncertain significance for Breast-ovarian cancer, familial 1. Last evaluated: 2012-02-24. Review status: no assertion criteria provided. Collection method: clinical testing. Allele origin: germline. Not counted in ClinVar's aggregate classification.

Department of Pathology and Laboratory Medicine, Sinai Health System
Classification: Uncertain significance for Malignant tumor of breast. Review status: no assertion criteria provided. Collection method: clinical testing. Allele origin: unknown. Affected: yes. Study: The Canadian Open Genetics Repository (COGR). Not counted in ClinVar's aggregate classification.
Comment: The BRCA1 p.Gly1062Val variant was not identified in the literature nor was it identified in the in the following databases: GeneInsight-COGR, Cosmic, MutDB, LOVD 3.0, BIC Database, ARUP Laboratories, Zhejiang Colon Cancer Database, databases. The variant was identified in dbSNP (ID: rs397507211) "With Uncertain significance" allele, ClinVar (3 x, as uncertain significance by Ambry Genetics, GeneDx and SCRP), and UMD-LSDB database (1 x, as 3-UV, co-occurring with a BRCA1 variant of uncertain significance c.3086A>G, p.Asn1029Ser). The variant was identified in control databases in 1 of 245466 chromosomes at a frequency of 0.000004 (Genome Aggregation Consortium Feb 27, 2017). The p.Gly1062 residue is not conserved in mammals and computational analyses (PolyPhen-2, SIFT, AlignGVGD, BLOSUM, MutationTaster) provide inconsistent predictions regarding the impact to the protein; this information is not very predictive of pathogenicity. The variant occurs outside of the splicing consensus sequence and 1 of 5 in silico or computational prediction software programs (SpliceSiteFinder, MaxEntScan, NNSPLICE, GeneSplicer, HumanSpliceFinder) predict a greater than 10% difference in splicing; this is not very predictive of pathogenicity. In summary, based on the above information the clinical significance of this variant cannot be determined with certainty at this time. This variant is classified as a variant of uncertain significance.

Literature cited by the submitters: PubMed 34981296 (cited by Labcorp Genetics (formerly Invitae), Labcorp); PubMed 33471991 (cited by Color Diagnostics, LLC DBA Color Health).